The following is an entry in ClinVar:

ClinVar aggregate classification (germline): Pathogenic/Likely pathogenic. Review status: criteria provided, multiple submitters, no conflicts (2 of 4 stars). 4 submissions from 4 submitters: Pathogenic (2); Likely pathogenic (2). Last evaluated 2025-08-28.

Conditions:
Citrullinemia. Identifiers: Orphanet 187, MedGen C0175683, MONDO:0015991.
Citrullinemia type I (CTNL1). Also called: argininosuccinate synthetase deficiency; ASS DEFICIENCY. Identifiers: Orphanet 247525, MedGen C4721769, MONDO:0008988, OMIM 215700.

Allele frequency attached by ClinVar (database versions not stated): gnomAD 0.00001 and 0.00002; TOPMed 0.00002.
gnomAD v4.1: 3 of 152,054 alleles (0.002%); highest among the groups gnomAD compares: South Asian, 0.021%; no homozygotes.

Submissions (4):

Natera, Inc.
Classification: Likely pathogenic for Citrullinemia type I. Last evaluated: 2025-08-28. Review status: criteria provided, single submitter. Criteria: Natera Variant Classification Schema (03/2026). Collection method: clinical testing. Allele origin: germline.
Comment: The c.175-1119G>A variant in ASS1 is an intronic variant located outside the canonical splice sites. This variant is rare in the general population with a frequency below the threshold expected for the associated phenotype(s). This variant has been observed in one or more individuals affected with the associated recessive disease, as either homozygous or compound heterozygous with a second variant (PMID: 21227727). Functional studies show that this variant may disrupt protein function (PMID: 21227727). Multiple computational prediction algorithms suggest this variant is unlikely to affect gene or protein function. Given the available evidence, this variant is classified as Likely Pathogenic.

Fulgent Genetics
Classification: Likely pathogenic for Citrullinemia type I. Last evaluated: 2024-02-29. Review status: criteria provided, single submitter. Criteria: ACMG Guidelines, 2015. Collection method: clinical testing. Allele origin: germline.

Labcorp Genetics (formerly Invitae), Labcorp
Classification: Pathogenic for Citrullinemia. Last evaluated: 2023-12-01. Review status: criteria provided, single submitter. Criteria: Invitae Variant Classification Sherloc (09022015). Collection method: clinical testing. Allele origin: germline.
Comment: This sequence change falls in intron 4 of the ASS1 gene. It does not directly change the encoded amino acid sequence of the ASS1 protein. RNA analysis indicates that this variant induces altered splicing and may result in an absent or disrupted protein product. This variant is not present in population databases (gnomAD no frequency). This variant has been observed in individual(s) with citrullinemia type I (PMID: 21227727; Invitae). In at least one individual the data is consistent with being in trans (on the opposite chromosome) from a pathogenic variant. ClinVar contains an entry for this variant (Variation ID: 847924). Studies have shown that this variant results in an insertion of 69 nucleotides into the transcript and introduces a premature termination codon (PMID: 21227727). The resulting mRNA is expected to undergo nonsense-mediated decay. For these reasons, this variant has been classified as Pathogenic.

Mendelics
Classification: Pathogenic for Citrullinemia type I. Last evaluated: 2022-05-04. Review status: criteria provided, single submitter. Criteria: Mendelics Assertion Criteria 2019. Collection method: clinical testing. Allele origin: germline.

Literature cited by the submitters: PubMed 21227727 (cited by Natera, Inc. and Labcorp Genetics (formerly Invitae), Labcorp).

NM_054012.4(ASS1):c.175-1119G>A

Gene: ASS1 (argininosuccinate synthase 1; plus strand). Cytogenetic location: 9q34.11.
Variant type: single nucleotide variant.
Coding change: c.175-1119G>A on transcript NM_054012.4 (MANE Select); 1119 bases into the intron before coding-DNA position 175, G replaced by A.
Molecular consequence: intron variant.
Genome position (GRCh38, 1-based): chr9:130,457,282, G>A. VCF-style: chr9-130457282-G-A. GRCh37 (hg19) VCF-style: chr9-133332669-G-A.
Other names: c.175-1119G>A (NM_000050.4).
Identifiers: ClinVar variation 847924 (VCV000847924.16), dbSNP rs1488840592, ClinGen allele CA860470964.